The following is an entry in ClinVar:

ClinVar aggregate classification (germline): Uncertain significance. Review status: criteria provided, multiple submitters, no conflicts (2 of 4 stars). 2 submissions from 2 submitters: Uncertain significance (2). Last evaluated 2026-08-23.

Conditions:
Lynch syndrome 4 (LYNCH4). Also called: Colorectal cancer, hereditary nonpolyposis, type 4; Hereditary non-polyposis colorectal cancer, type 4. Identifiers: Orphanet 144, MedGen C1838333, MONDO:0013699, OMIM 614337. Disease mechanism: loss of function.
Hereditary cancer-predisposing syndrome. Also called: Neoplastic Syndromes, Hereditary; Hereditary Cancer Syndrome; Tumor predisposition; Hereditary neoplastic syndrome. Identifiers: Orphanet 140162, MedGen C0027672, MeSH D009386, MONDO:0015356.

Submissions (2):

Ambry Genetics
Classification: Uncertain significance for Hereditary cancer-predisposing syndrome. Last evaluated: 2026-08-23. Review status: criteria provided, single submitter. Criteria: Ambry Variant Classification Scheme 2023. Collection method: clinical testing. Allele origin: germline.
Comment: The p.M453I variant (also known as c.1359G>A), located in coding exon 11 of the PMS2 gene, results from a G to A substitution at nucleotide position 1359. The methionine at codon 453 is replaced by isoleucine, an amino acid with highly similar properties. This amino acid position is conserved. In addition, this alteration is predicted to be tolerated by in silico analysis. Based on the available evidence, the clinical significance of this variant remains unclear.

Illumina Laboratory Services, Illumina
Classification: Uncertain significance for Lynch syndrome 4. Last evaluated: 2018-01-13. Review status: criteria provided, single submitter. Criteria: ICSL Variant Classification Criteria 13 December 2019. Collection method: clinical testing. Allele origin: germline.

NM_000535.7(PMS2):c.1359G>A (p.Met453Ile)

Gene: PMS2 (PMS1 homolog 2, mismatch repair system component; minus strand). Cytogenetic location: 7p22.1.
Variant type: single nucleotide variant.
Coding change: c.1359G>A on transcript NM_000535.7 (MANE Select); coding-DNA position 1359, G replaced by A.
Protein change: p.Met453Ile; replaces methionine 453 with isoleucine.
Molecular consequence: missense variant. On other transcripts: non-coding transcript variant (1).
Genome position (GRCh38, 1-based): chr7:5,987,406, C>T on the plus strand (G>A on the coding strand, the complement: PMS2 is on the minus strand). VCF-style: chr7-5987406-C-T. GRCh37 (hg19) VCF-style: chr7-6027037-C-T.
Other names: c.954G>A, p.Met318Ile (NM_001322003.2, NM_001322004.2, NM_001322005.2 and 1 more transcripts); c.1203G>A, p.Met401Ile (NM_001322006.2); c.1041G>A, p.Met347Ile (NM_001322007.2, NM_001322008.2); c.798G>A, p.Met266Ile (NM_001322010.2); c.426G>A, p.Met142Ile (NM_001322011.2, NM_001322012.2); c.786G>A, p.Met262Ile (NM_001322013.2); c.1359G>A, p.Met453Ile (NM_001322014.2); c.1050G>A, p.Met350Ile (NM_001322015.2); short protein forms M453I, M266I, M347I, M262I, M401I, M318I, M350I, M142I.
Identifiers: ClinVar variation 360543 (VCV000360543.6), dbSNP rs886062401, ClinGen allele CA10624157.